The following is an entry in ClinVar:

ClinVar aggregate classification (germline): Uncertain significance (1 of 4 stars; one submission).

Allele frequency attached by ClinVar (database versions not stated): TOPMed below 0.00001; gnomAD 0.00001; ExAC 0.00003; ESP Exome Variant Server 0.00008.
gnomAD v4.1: 4 of 1,584,558 alleles (0.00025%); highest among the groups gnomAD compares: Non-Finnish European, 0.00026%; no homozygotes.

Submission:

GeneDx
Classification: Uncertain significance. Last evaluated: 2022-04-25. Review status: criteria provided, single submitter. Criteria: GeneDx Variant Classification Process June 2021. Collection method: clinical testing. Allele origin: germline. Affected: yes.
Comment: In silico analysis supports that this missense variant does not alter protein structure/function; Has not been previously published as pathogenic or benign to our knowledge

NM_006005.3(WFS1):c.424G>T (p.Val142Leu)

Gene: WFS1 (wolframin ER transmembrane glycoprotein; plus strand). Cytogenetic location: 4p16.1.
Variant type: single nucleotide variant.
Coding change: c.424G>T on transcript NM_006005.3 (MANE Select); coding-DNA position 424, G replaced by T.
Protein change: p.Val142Leu; replaces valine 142 with leucine.
Molecular consequence: missense variant.
Genome position (GRCh38, 1-based): chr4:6,289,095, G>T. VCF-style: chr4-6289095-G-T. GRCh37 (hg19) VCF-style: chr4-6290822-G-T.
Other names: c.424G>T, p.Val142Leu (NM_001145853.1); short protein forms V142L.
Identifiers: ClinVar variation 1712841 (VCV001712841.2), dbSNP rs369067749, ClinGen allele CA2838891.